The following is an entry in ClinVar:

ClinVar aggregate classification (germline): Uncertain significance. Review status: criteria provided, multiple submitters, no conflicts (2 of 4 stars). 2 submissions from 2 submitters: Uncertain significance (2). Last evaluated 2025-10-02.

Conditions:
Inborn genetic diseases. Identifiers: MedGen C0950123, MeSH D030342.

Allele frequency attached by ClinVar (database versions not stated): gnomAD exomes below 0.00001.
gnomAD v4.1: 1 of 1,576,114 alleles (0.000063%); highest among the groups gnomAD compares: Non-Finnish European, 0.000086%; no homozygotes.

Submissions (2):

Ambry Genetics
Classification: Uncertain significance for Inborn genetic diseases. Last evaluated: 2025-10-02. Review status: criteria provided, single submitter. Criteria: Ambry Variant Classification Scheme 2023. Collection method: clinical testing. Allele origin: germline.

Labcorp Genetics (formerly Invitae), Labcorp
Classification: Uncertain significance. Last evaluated: 2025-08-29. Review status: criteria provided, single submitter. Criteria: Invitae Variant Classification Sherloc (09022015). Collection method: clinical testing. Allele origin: germline.
Comment: This sequence change replaces threonine, which is neutral and polar, with isoleucine, which is neutral and non-polar, at codon 741 of the DNA2 protein (p.Thr741Ile). This variant is not present in population databases (gnomAD no frequency). This variant has not been reported in the literature in individuals affected with DNA2-related conditions. ClinVar contains an entry for this variant (Variation ID: 1962737). Invitae Evidence Modeling of protein sequence and biophysical properties (such as structural, functional, and spatial information, amino acid conservation, physicochemical variation, residue mobility, and thermodynamic stability) indicates that this missense variant is expected to disrupt DNA2 protein function with a positive predictive value of 80%. Algorithms developed to predict the effect of sequence changes on RNA splicing suggest that this variant may disrupt the consensus splice site. In summary, the available evidence is currently insufficient to determine the role of this variant in disease. Therefore, it has been classified as a Variant of Uncertain Significance.

NM_001080449.3(DNA2):c.2222C>T (p.Thr741Ile)

Gene: DNA2 (DNA replication helicase/nuclease 2; minus strand). Cytogenetic location: 10q21.3.
Variant type: single nucleotide variant.
Coding change: c.2222C>T on transcript NM_001080449.3 (MANE Select); coding-DNA position 2222, C replaced by T.
Protein change: p.Thr741Ile; replaces threonine 741 with isoleucine.
Molecular consequence: missense variant. On other transcripts: non-coding transcript variant (1).
Genome position (GRCh38, 1-based): chr10:68,422,877, G>A on the plus strand (C>T on the coding strand, the complement: DNA2 is on the minus strand). VCF-style: chr10-68422877-G-A. GRCh37 (hg19) VCF-style: chr10-70182634-G-A.
Other names: c.2222C>T (NM_001080449.2); short protein forms T741I.
Identifiers: ClinVar variation 1962737 (VCV001962737.6), dbSNP rs2051684894, ClinGen allele CA376849863.